The following is an entry in ClinVar:

NM_016180.5(SLC45A2):c.478G>C (p.Asp160His)

Gene: SLC45A2 (solute carrier family 45 member 2; minus strand). Cytogenetic location: 5p13.2.
Variant type: single nucleotide variant.
Coding change: c.478G>C on transcript NM_016180.5 (MANE Select); coding-DNA position 478, G replaced by C.
Protein change: p.Asp160His; replaces aspartic acid 160 with histidine.
Molecular consequence: missense variant.
Genome position (GRCh38, 1-based): chr5:33,982,320, C>G on the plus strand (G>C on the coding strand, the complement: SLC45A2 is on the minus strand). VCF-style: chr5-33982320-C-G. GRCh37 (hg19) VCF-style: chr5-33982425-C-G.
Other names: c.478G>C, p.Asp160His (NM_001012509.4, NM_001297417.4); c.478G>C (NM_016180.4); short protein forms D160H.
Identifiers: ClinVar variation 1325093 (VCV001325093.16), dbSNP rs760780597, ClinGen allele CA359396628.

ClinVar aggregate classification (germline): Pathogenic/Likely pathogenic. Review status: criteria provided, multiple submitters, no conflicts (2 of 4 stars). 6 submissions from 6 submitters: Pathogenic (5); Likely pathogenic (1). Last evaluated 2024-02-11.

Conditions:
SLC45A2-related disorder. Also called: SLC45A2-related condition.
Oculocutaneous albinism type 4 (OCA4). Also called: Albinism, oculocutaneous, type IV. Identifiers: Orphanet 79435, MedGen C1847836, MONDO:0011683, OMIM 606574.
SKIN/HAIR/EYE PIGMENTATION 5, BLACK/NONBLACK HAIR (SHEP5). Also called: SKIN/HAIR/EYE PIGMENTATION, VARIATION IN, 5; SKIN/HAIR/EYE PIGMENTATION 5, DARK/FAIR SKIN; SKIN/HAIR/EYE PIGMENTATION 5, DARK/LIGHT EYES. Identifiers: MedGen C2673584, OMIM 227240.

Allele frequency attached by ClinVar (database versions not stated): gnomAD exomes below 0.00001.
gnomAD v4.1: 5 of 1,614,144 alleles (0.00031%); highest among the groups gnomAD compares: East Asian, 0.011%; no homozygotes.

Submissions (6):

Labcorp Genetics (formerly Invitae), Labcorp
Classification: Pathogenic. Last evaluated: 2024-02-11. Review status: criteria provided, single submitter. Criteria: Invitae Variant Classification Sherloc (09022015). Collection method: clinical testing. Allele origin: germline.
Comment: This sequence change replaces aspartic acid, which is acidic and polar, with histidine, which is basic and polar, at codon 160 of the SLC45A2 protein (p.Asp160His). This variant is present in population databases (no rsID available, gnomAD 0.006%). This missense change has been observed in individual(s) with ocular albinism (PMID: 21287499, 27706749, 31077556, 31199599). In at least one individual the data is consistent with being in trans (on the opposite chromosome) from a pathogenic variant. ClinVar contains an entry for this variant (Variation ID: 1325093). Advanced modeling of protein sequence and biophysical properties (such as structural, functional, and spatial information, amino acid conservation, physicochemical variation, residue mobility, and thermodynamic stability) performed at Invitae indicates that this missense variant is expected to disrupt SLC45A2 protein function with a positive predictive value of 80%. For these reasons, this variant has been classified as Pathogenic.

Victorian Clinical Genetics Services, Murdoch Childrens Research Institute
Classification: Pathogenic for Oculocutaneous albinism type 4. Last evaluated: 2023-12-21. Review status: criteria provided, single submitter. Criteria: ACMG Guidelines, 2015. Collection method: clinical testing. Allele origin: germline. Inheritance: Autosomal recessive inheritance. Affected: yes.
Comment: Based on the classification scheme VCGS_Germline_v1.3.4, this variant is classified as Pathogenic. Following criteria are met: 0102 - Loss of function is a known mechanism of disease in this gene and is associated with type IV oculocutaneous albinism (MIM#606574). (I) 0106 - This gene is associated with autosomal recessive disease. (I) 0200 - Variant is predicted to result in a missense amino acid change from aspartic acid to histidine. (I) 0251 - This variant is heterozygous. (I) 0304 - Variant is present in gnomAD <0.01 for a recessive condition (v2 and v3: 2 heterozygotes, 0 homozygotes). (SP) 0309 - An alternative amino acid change at the same position has been observed in gnomAD (v2 and v3: 2 heterozygotes, 0 homozygotes). (I) 0501 - Missense variant consistently predicted to be damaging by multiple in silico tools or highly conserved with a major amino acid change. (SP) 0600 - Variant is located in the annotated MFS/sugar transport protein domain (DECIPHER). (I) 0705 - No comparable missense variants have previous evidence for pathogenicity. (I) 0801 - This variant has very strong previous evidence of pathogenicity in unrelated individuals. It has been reported as homozygous and compound heterozygous in many individuals with oculocutaneous albinism (PMIDs: 18986462, 21458243, 27706749, 31077556, 31199599). It has also been reported as pathogenic/likely pathogenic by three clinical testing laboratories (ClinVar). (SP) 1201 - Heterozygous variant detected in trans with a second likely pathogenic heterozygous variant, NM_016180.4(SLC45A2):c.385+1G>A, in a recessive disease. (I) Legend: (SP) - Supporting pathogenic, (I) - Information, (SB) - Supporting benign

Women's Health and Genetics/Laboratory Corporation of America, LabCorp
Classification: Pathogenic for Oculocutaneous albinism type 4. Last evaluated: 2023-07-27. Review status: criteria provided, single submitter. Criteria: LabCorp Variant Classification Summary - May 2015. Collection method: clinical testing. Allele origin: germline.
Comment: Variant summary: SLC45A2 c.478G>C (p.Asp160His) results in a non-conservative amino acid change in the encoded protein sequence. Five of five in-silico tools predict a damaging effect of the variant on protein function. The variant allele was found at a frequency of 4e-06 in 251476 control chromosomes. c.478G>C has been reported in the literature in multiple individuals affected with Oculocutaneous albinism type 4, either at a homozygous state or at a compound heterozygous state with a second disease-causing variant in SLC45A2 (examples: Wei_2011, Wei_2010, Lasseuax_2018). This variant has been frequently reported in Chinese individuals affected with Oculocutaneous albinism, suggesting a founder mutation in the Chinese Han population (Wei_2011, Wei_2010). These data indicate that the variant is very likely to be associated with disease. To our knowledge, no experimental evidence demonstrating an impact on protein function has been reported. The following publications have been ascertained in the context of this evaluation (PMID: 29345414, 21458243, 19865097). Two submitters have cited clinical-significance assessments for this variant to ClinVar after 2014. Both submitters classified the variant as pathogenic/likely pathogenic. Based on the evidence outlined above, the variant was classified as pathogenic.

Revvity Omics, Revvity
Classification: Likely pathogenic. Last evaluated: 2021-04-21. Review status: criteria provided, single submitter. Criteria: ACMG Guidelines, 2015. Collection method: clinical testing. Allele origin: germline.

Blueprint Genetics
Classification: Pathogenic for SLC45A2-related disorders. Last evaluated: 2020-12-16. Review status: criteria provided, single submitter. Criteria: ACMG Guidelines, 2015. Collection method: clinical testing. Allele origin: germline. Affected: yes. Observed: 1 variant allele.

Juno Genomics, Hangzhou Juno Genomics, Inc
Classification: Pathogenic for SKIN/HAIR/EYE PIGMENTATION 5, BLACK/NONBLACK HAIR; Oculocutaneous albinism type 4. Review status: criteria provided, single submitter. Criteria: ACMG Guidelines, 2015. Collection method: clinical testing. Allele origin: germline.
Comment: Absent from controls (or at extremely low frequency if recessive) in Genome Aggregation Database.;For recessive disorders, detected in trans with a pathogenic variant.;Patient's phenotype or family history is highly specific for a disease with a single genetic etiology.;Multiple lines of computational evidence support a deleterious effect on the gene or gene product.

Literature cited by the submitters: PubMed 21287499 (cited by Labcorp Genetics (formerly Invitae), Labcorp); PubMed 27706749 (cited by Labcorp Genetics (formerly Invitae), Labcorp and Victorian Clinical Genetics Services, Murdoch Childrens Research Institute); PubMed 31077556 (cited by Labcorp Genetics (formerly Invitae), Labcorp and Victorian Clinical Genetics Services, Murdoch Childrens Research Institute); PubMed 31199599 (cited by Labcorp Genetics (formerly Invitae), Labcorp and Victorian Clinical Genetics Services, Murdoch Childrens Research Institute); PubMed 18986462 (cited by Victorian Clinical Genetics Services, Murdoch Childrens Research Institute); PubMed 21458243 (cited by Victorian Clinical Genetics Services, Murdoch Childrens Research Institute and Women's Health and Genetics/Laboratory Corporation of America, LabCorp); PubMed 29345414 (cited by Women's Health and Genetics/Laboratory Corporation of America, LabCorp); PubMed 19865097 (cited by Women's Health and Genetics/Laboratory Corporation of America, LabCorp).